The following is an entry in ClinVar:

ClinVar aggregate classification (germline): Uncertain significance (1 of 4 stars; one submission).

Conditions:
Deficiency of adenosine deaminase 2. Also called: Polyarteritis nodosa, childhoood-onset; Adenosine Deaminase 2 Deficiency; VASCULITIS, AUTOINFLAMMATION, IMMUNODEFICIENCY, AND HEMATOLOGIC DEFECTS SYNDROME. Identifiers: Orphanet 404553, MedGen C3887654, MONDO:0014306, OMIM 615688, MONDO:0100317.

gnomAD v4.1: 1 of 1,614,134 alleles (0.000062%); highest among the groups gnomAD compares: East Asian, 0.0022%; no homozygotes.

Submission:

Labcorp Genetics (formerly Invitae), Labcorp
Classification: Uncertain significance for Deficiency of adenosine deaminase 2. Last evaluated: 2025-12-08. Review status: criteria provided, single submitter. Criteria: Invitae Variant Classification Sherloc (09022015). Collection method: clinical testing. Allele origin: germline.
Comment: This sequence change replaces isoleucine, which is neutral and non-polar, with valine, which is neutral and non-polar, at codon 196 of the ADA2 protein (p.Ile196Val). This variant is not present in population databases (gnomAD no frequency). This variant has not been reported in the literature in individuals affected with ADA2-related conditions. ClinVar contains an entry for this variant (Variation ID: 3713001). Invitae Evidence Modeling of protein sequence and biophysical properties (such as structural, functional, and spatial information, amino acid conservation, physicochemical variation, residue mobility, and thermodynamic stability) indicates that this missense variant is not expected to disrupt ADA2 protein function with a negative predictive value of 95%. In summary, the available evidence is currently insufficient to determine the role of this variant in disease. Therefore, it has been classified as a Variant of Uncertain Significance.

NM_001282225.2(ADA2):c.586A>G (p.Ile196Val)

Gene: ADA2 (adenosine deaminase 2; minus strand). Cytogenetic location: 22q11.1.
Variant type: single nucleotide variant.
Coding change: c.586A>G on transcript NM_001282225.2 (MANE Select); coding-DNA position 586, A replaced by G.
Protein change: p.Ile196Val; replaces isoleucine 196 with valine.
Molecular consequence: missense variant.
Genome position (GRCh38, 1-based): chr22:17,203,730, T>C on the plus strand (A>G on the coding strand, the complement: ADA2 is on the minus strand). VCF-style: chr22-17203730-T-C. GRCh37 (hg19) VCF-style: chr22-17684620-T-C.
Other names: c.586A>G, p.Ile196Val (NM_001282226.2); c.460A>G, p.Ile154Val (NM_001282227.2, NM_001282228.2); c.226A>G, p.Ile76Val (NM_001282229.2); short protein forms I154V, I196V, I76V.
Identifiers: ClinVar variation 3713001 (VCV003713001.2).
Genomic context (GRCh38, chr22:17,203,730, plus strand): 5'-CAGAGATGGTGAAGAAGATGGTTTCAAATTTCGACCAGACAACATTTTGGTTTGTGTAAA[T>C]CACCTCCGGGTGCTGGGTCACCAGAGTGAAATTCCTCAGCAAGCTGTCCAAGACACGAAG-3'
Protein context (NP_001269154.1, residues 186-206): FTLVTQHPEV[Ile196Val]YTNQNVVWSK